The following is an entry in ClinVar:

ClinVar aggregate classification (germline): Uncertain significance (1 of 4 stars; one submission).

Conditions:
Multiple endocrine neoplasia, type 2 (MEN2). Identifiers: Orphanet 653, MedGen C4048306, MONDO:0019003. Disease mechanism: gain of function.

Submission:

Labcorp Genetics (formerly Invitae), Labcorp
Classification: Uncertain significance for Multiple endocrine neoplasia, type 2. Last evaluated: 2022-11-30. Review status: criteria provided, single submitter. Criteria: Invitae Variant Classification Sherloc (09022015). Collection method: clinical testing. Allele origin: germline.
Comment: This sequence change falls in intron 5 of the RET gene. It does not directly change the encoded amino acid sequence of the RET protein. It affects a nucleotide within the consensus splice site. This variant is not present in population databases (gnomAD no frequency). This variant has not been reported in the literature in individuals affected with RET-related conditions. Variants that disrupt the consensus splice site are a relatively common cause of aberrant splicing (PMID: 17576681, 9536098). Algorithms developed to predict the effect of sequence changes on RNA splicing suggest that this variant is not likely to affect RNA splicing. In summary, the available evidence is currently insufficient to determine the role of this variant in disease. Therefore, it has been classified as a Variant of Uncertain Significance.

Literature cited by the submitters: PubMed 17576681; PubMed 9536098.

NM_020975.6(RET):c.1063+6del

Gene: RET (ret proto-oncogene; plus strand). Cytogenetic location: 10q11.21.
Variant type: Deletion.
Coding change: c.1063+6del on transcript NM_020975.6 (MANE Select); 6 bases into the intron after coding-DNA position 1063, one base deleted (A; older notation c.1063+6delA).
Molecular consequence: intron variant.
Genome position (GRCh38, 1-based): chr10:43,106,577, A deleted. VCF-style (leftmost placement, unchanged base first): chr10-43106576-GA-G. GRCh37 (hg19) VCF-style: chr10-43602024-GA-G.
Other names: c.1063+6del (NM_020630.7, NM_001406743.1, NM_001406744.1 and 4 more transcripts); c.867+1384del (NM_001406772.1, NM_001406769.1); c.626-2454del (NM_001406773.1, NM_001406771.1); c.625+3948del (NM_001406782.1, NM_001406780.1, NM_001406779.1 and 3 more transcripts); c.934+6del (NM_001406764.1, NM_001406762.1, NM_001406761.1 and 1 more transcripts); c.738+1384del (NM_001406774.1); c.496+3948del (NM_001406786.1, NM_001406783.1); c.775+6del (NM_001406770.1, NM_001406766.1, NM_001406767.1); and 5 more.
Identifiers: ClinVar variation 2810325 (VCV002810325.3), dbSNP rs2538405966, ClinGen allele CA2739265336.